The following is an entry in ClinVar:

ClinVar aggregate classification (germline): Likely pathogenic (1 of 4 stars; one submission).

Submission:

GeneDx
Classification: Likely pathogenic. Last evaluated: 2024-04-26. Review status: criteria provided, single submitter. Criteria: GeneDx Variant Classification Process June 2021. Collection method: clinical testing. Allele origin: germline. Affected: yes.
Comment: In silico analysis supports that this missense variant has a deleterious effect on protein structure/function; This variant is associated with the following publications: (PMID: 23305405, 22077061, 25964253, 21828135)

NM_022552.5(DNMT3A):c.2096G>A (p.Gly699Asp)

Gene: DNMT3A (DNA methyltransferase 3 alpha; minus strand). Cytogenetic location: 2p23.3.
Variant type: single nucleotide variant.
Coding change: c.2096G>A on transcript NM_022552.5 (MANE Select); coding-DNA position 2096, G replaced by A.
Protein change: p.Gly699Asp; replaces glycine 699 with aspartic acid.
Molecular consequence: missense variant. On other transcripts: non-coding transcript variant (1).
Genome position (GRCh38, 1-based): chr2:25,240,717, C>T on the plus strand (G>A on the coding strand, the complement: DNMT3A is on the minus strand). VCF-style: chr2-25240717-C-T. GRCh37 (hg19) VCF-style: chr2-25463586-C-T.
Other names: c.1640G>A, p.Gly547Asp (NM_001320893.1); c.1427G>A, p.Gly476Asp (NM_001375819.1); c.1529G>A, p.Gly510Asp (NM_153759.3); c.2096G>A, p.Gly699Asp (NM_175629.2); short protein forms G476D, G510D, G547D, G699D.
Identifiers: ClinVar variation 3368984 (VCV003368984.1).